The following is an entry in ClinVar:

NM_016955.4(SEPSECS):c.*454C>T

Gene: SEPSECS (Sep (O-phosphoserine) tRNA:Sec (selenocysteine) tRNA synthase; minus strand). Cytogenetic location: 4p15.2.
Variant type: single nucleotide variant.
Coding change: c.*454C>T on transcript NM_016955.4 (MANE Select); 454 bases downstream of the stop codon, C replaced by T.
Molecular consequence: 3 prime UTR variant.
Genome position (GRCh38, 1-based): chr4:25,123,477, G>A on the plus strand (C>T on the coding strand, the complement: SEPSECS is on the minus strand). VCF-style: chr4-25123477-G-A. GRCh37 (hg19) VCF-style: chr4-25125099-G-A.
Identifiers: ClinVar variation 348543 (VCV000348543.5), dbSNP rs77936887, ClinGen allele CA10620873.

ClinVar aggregate classification (germline): Benign (1 of 4 stars; one submission).

Conditions:
Pontocerebellar hypoplasia type 2D (PCH2D). Also called: Progressive cerebello-cerebral atrophy. Identifiers: Orphanet 247198, Orphanet 2524, MedGen C3151140, MONDO:0013438, OMIM 613811.

Allele frequency attached by ClinVar (database versions not stated): gnomAD exomes 0.00064; gnomAD 0.00521 and 0.00552; TOPMed 0.00646; 1000 Genomes Project 30x 0.00656; 1000 Genomes Project 0.00659.

Submission:

Illumina Laboratory Services, Illumina
Classification: Benign for Pontocerebellar hypoplasia type 2D. Last evaluated: 2018-01-13. Review status: criteria provided, single submitter. Criteria: ICSL Variant Classification Criteria 13 December 2019. Collection method: clinical testing. Allele origin: germline.
Comment: This variant was observed in the ICSL laboratory as part of a predisposition screen in an ostensibly healthy population. It had not been previously curated by ICSL or reported in the Human Gene Mutation Database (HGMD: prior to June 1st, 2018), and was therefore a candidate for classification through an automated scoring system. Utilizing variant allele frequency, disease prevalence and penetrance estimates, and inheritance mode, an automated score was calculated to assess if this variant is too frequent to cause the disease. Based on the score and internal cut-off values, a variant classified as benign is not then subjected to further curation. The score for this variant resulted in a classification of benign for this disease.